The following is an entry in ClinVar:

NM_001875.5(CPS1):c.520C>T (p.Arg174Trp)

Gene: CPS1 (carbamoyl-phosphate synthase 1; plus strand). Cytogenetic location: 2q34.
Variant type: single nucleotide variant.
Coding change: c.520C>T on transcript NM_001875.5 (MANE Select); coding-DNA position 520, C replaced by T.
Protein change: p.Arg174Trp; replaces arginine 174 with tryptophan.
Molecular consequence: missense variant. On other transcripts: non-coding transcript variant (1).
Genome position (GRCh38, 1-based): chr2:210,579,762, C>T. VCF-style: chr2-210579762-C-T. GRCh37 (hg19) VCF-style: chr2-211444486-C-T.
Other names: c.520C>T (LRG_336t1); c.520C>T, p.Arg174Trp (NM_001122633.3, NM_001369257.1); c.553C>T, p.Arg185Trp (NM_001369256.1); short protein forms R174W, R185W.
Identifiers: ClinVar variation 556326 (VCV000556326.6), dbSNP rs1553509661, ClinGen allele CA350425926.

ClinVar aggregate classification (germline): Likely pathogenic. Review status: criteria provided, multiple submitters, no conflicts (2 of 4 stars). 3 submissions from 3 submitters: Likely pathogenic (2). 1 of the submissions does not count toward it. Last evaluated 2024-01-18.

Conditions:
Pulmonary hypertension, neonatal, susceptibility to (PHN). Identifiers: MedGen C3714958, MONDO:0014151, OMIM 615371.
Congenital hyperammonemia, type I. Also called: CPS I DEFICIENCY; Carbamoyl phosphate synthetase I deficiency disease; Carbamoyl phosphate synthetase 1 deficiency; Hyperammonemia due to carbamoyl phosphate synthetase 1 deficiency; CPS 1 deficiency; Carbamyl phosphate synthetase (CPS) deficiency. Identifiers: Orphanet 147, MedGen C4082171, MONDO:0009376, OMIM 237300.

gnomAD v4.1: 5 of 1,612,004 alleles (0.00031%); highest among the groups gnomAD compares: Non-Finnish European, 0.00042%; no homozygotes.

Submissions (3):

Baylor Genetics
Classification: Likely pathogenic for Pulmonary hypertension, neonatal, susceptibility to. Last evaluated: 2024-01-18. Review status: criteria provided, single submitter. Criteria: ACMG Guidelines, 2015. Collection method: clinical testing. Allele origin: unknown.

Juno Genomics, Hangzhou Juno Genomics, Inc
Classification: Likely pathogenic for Pulmonary hypertension, neonatal, susceptibility to; Congenital hyperammonemia, type I. Review status: criteria provided, single submitter. Criteria: ACMG Guidelines, 2015. Collection method: clinical testing. Allele origin: germline.
Comment: Absent from controls (or at extremely low frequency if recessive) in Genome Aggregation Database.;Multiple lines of computational evidence support a deleterious effect on the gene or gene product.;For recessive disorders, detected in trans with a pathogenic variant.

Counsyl
Classification: Uncertain significance for Congenital hyperammonemia, type I. Last evaluated: 2018-01-24. Review status: no assertion criteria provided. Collection method: clinical testing. Allele origin: unknown. Not counted in ClinVar's aggregate classification.

Literature cited by the submitters: PubMed 26440671 (cited by Counsyl).